The following is an entry in ClinVar:

ClinVar aggregate classification (germline): Likely benign. Review status: criteria provided, multiple submitters, no conflicts (2 of 4 stars). 2 submissions from 2 submitters: Likely benign (2). Last evaluated 2025-09-14.

Allele frequency attached by ClinVar (database versions not stated): ExAC 0.00003; gnomAD 0.00002; gnomAD exomes 0.00008; TOPMed 0.00003.
gnomAD v4.1: 119 of 1,600,966 alleles (0.0074%); highest among the groups gnomAD compares: Non-Finnish European, 0.0094%; no homozygotes.

Submissions (2):

Labcorp Genetics (formerly Invitae), Labcorp
Classification: Likely benign. Last evaluated: 2025-09-14. Review status: criteria provided, single submitter. Criteria: Invitae Variant Classification Sherloc (09022015). Collection method: clinical testing. Allele origin: germline.

Mayo Clinic Laboratories, Mayo Clinic
Classification: Likely benign. Last evaluated: 2025-09-02. Review status: criteria provided, single submitter. Criteria: ACMG Guidelines, 2015. Collection method: clinical testing. Allele origin: germline. Observed: 1 variant allele.
Comment: BP4, BP7

NM_172369.5(C1QC):c.690C>T (p.Ile230=)

Gene: C1QC (complement C1q C chain; plus strand). Cytogenetic location: 1p36.12.
Variant type: single nucleotide variant.
Coding change: c.690C>T on transcript NM_172369.5 (MANE Select); coding-DNA position 690, C replaced by T.
Protein change: p.Ile230=; no amino-acid change (isoleucine 230 retained).
Molecular consequence: synonymous variant.
Genome position (GRCh38, 1-based): chr1:22,647,735, C>T. VCF-style: chr1-22647735-C-T. GRCh37 (hg19) VCF-style: chr1-22974228-C-T.
Other names: p.Ile230=; c.690C>T, p.Ile230= (NM_001114101.3, NM_001347619.2); c.423C>T, p.Ile141= (NM_001347620.2).
Identifiers: ClinVar variation 2885017 (VCV002885017.4), dbSNP rs773843522, ClinGen allele CA678038.